The following is an entry in ClinVar:

NM_004336.5(BUB1):c.3097C>G (p.His1033Asp)

Gene: BUB1 (BUB1 mitotic checkpoint serine/threonine kinase; minus strand). Cytogenetic location: 2q13.
Variant type: single nucleotide variant.
Coding change: c.3097C>G on transcript NM_004336.5 (MANE Select); coding-DNA position 3097, C replaced by G.
Protein change: p.His1033Asp; replaces histidine 1033 with aspartic acid.
Molecular consequence: missense variant.
Genome position (GRCh38, 1-based): chr2:110,638,125, G>C on the plus strand (C>G on the coding strand, the complement: BUB1 is on the minus strand). VCF-style: chr2-110638125-G-C. GRCh37 (hg19) VCF-style: chr2-111395702-G-C.
Other names: c.3037C>G, p.His1013Asp (NM_001278616.2); c.2926C>G, p.His976Asp (NM_001278617.2); short protein forms H1033D, H1013D, H976D.
Identifiers: ClinVar variation 1727524 (VCV001727524.3), dbSNP rs1417718503, ClinGen allele CA348088561.
Genomic context (GRCh38, chr2:110,638,125, plus strand): 5'-TTTGCCTTAACAAATCCAAAGATGGAAGATGATGACAATCTGGAATATTCAACATAACAT[G>C]AAAAAATTCATTCCACATATCCAAATGAGGAAGCCTGAAAAAGACAAAGCATAAATAATG-3'
Protein context (NP_004327.1, residues 1023-1043): PHLDMWNEFF[His1033Asp]VMLNIPDCHH

ClinVar aggregate classification (germline): Uncertain significance (1 of 4 stars; one submission).

Allele frequency attached by ClinVar (database versions not stated): gnomAD 0.00001.
gnomAD v4.1: 7 of 1,597,440 alleles (0.00044%); highest among the groups gnomAD compares: African/African-American, 0.0014%; no homozygotes.

Submission:

Ambry Genetics
Classification: Uncertain significance. Last evaluated: 2024-08-17. Review status: criteria provided, single submitter. Criteria: Ambry Variant Classification Scheme 2023. Collection method: clinical testing. Allele origin: germline.
Comment: The p.H1033D variant (also known as c.3097C>G), located in coding exon 25 of the BUB1 gene, results from a C to G substitution at nucleotide position 3097. The histidine at codon 1033 is replaced by aspartic acid, an amino acid with similar properties. This amino acid position is conserved. In addition, this alteration is predicted to be tolerated by in silico analysis. Since supporting evidence is limited at this time, the clinical significance of this alteration remains unclear.